The following is an entry in ClinVar:

ClinVar aggregate classification (germline): Uncertain significance. Review status: criteria provided, multiple submitters, no conflicts (2 of 4 stars). 5 submissions from 5 submitters: Uncertain significance (5). Last evaluated 2024-09-10.

Conditions:
Hereditary cancer-predisposing syndrome. Also called: Hereditary Cancer Syndrome; Neoplastic Syndromes, Hereditary; Tumor predisposition; Hereditary neoplastic syndrome. Identifiers: Orphanet 140162, MedGen C0027672, MeSH D009386, MONDO:0015356.
Fanconi anemia complementation group J. Also called: BRIP1-Related Fanconi Anemia. Identifiers: Orphanet 84, MedGen C1836860, MONDO:0012187, OMIM 609054.
Familial cancer of breast. Also called: Hereditary breast cancer; hereditary breast carcinoma; BREAST CANCER, FAMILIAL. Identifiers: Orphanet 227535, MedGen C0346153, MONDO:0016419, OMIM 114480. Disease mechanism: loss of function.

Allele frequency attached by ClinVar (database versions not stated): TOPMed below 0.00001; ExAC 0.00001; gnomAD exomes 0.00001.
gnomAD v4.1: 9 of 1,613,628 alleles (0.00056%); highest among the groups gnomAD compares: South Asian, 0.0099%; no homozygotes.

Submissions (5):

Labcorp Genetics (formerly Invitae), Labcorp
Classification: Uncertain significance for Familial cancer of breast; Fanconi anemia complementation group J. Last evaluated: 2024-09-10. Review status: criteria provided, single submitter. Criteria: Invitae Variant Classification Sherloc (09022015). Collection method: clinical testing. Allele origin: germline.
Comment: This sequence change replaces lysine, which is basic and polar, with glutamic acid, which is acidic and polar, at codon 1186 of the BRIP1 protein (p.Lys1186Glu). This variant is present in population databases (rs766709841, gnomAD 0.007%). This variant has not been reported in the literature in individuals affected with BRIP1-related conditions. ClinVar contains an entry for this variant (Variation ID: 229894). An algorithm developed to predict the effect of missense changes on protein structure and function outputs the following: PolyPhen-2: "Benign". The glutamic acid amino acid residue is found in multiple mammalian species, which suggests that this missense change does not adversely affect protein function. In summary, the available evidence is currently insufficient to determine the role of this variant in disease. Therefore, it has been classified as a Variant of Uncertain Significance.

Ambry Genetics
Classification: Uncertain significance for Hereditary cancer-predisposing syndrome. Last evaluated: 2024-04-22. Review status: criteria provided, single submitter. Criteria: Ambry Variant Classification Scheme 2023. Collection method: clinical testing. Allele origin: germline.
Comment: The p.K1186E variant (also known as c.3556A>G), located in coding exon 19 of the BRIP1 gene, results from an A to G substitution at nucleotide position 3556. The lysine at codon 1186 is replaced by glutamic acid, an amino acid with similar properties. This amino acid position is not well conserved in available vertebrate species. In addition, this alteration is predicted to be tolerated by in silico analysis. Since supporting evidence is limited at this time, the clinical significance of this alteration remains unclear.

Color Diagnostics, LLC DBA Color Health
Classification: Uncertain significance for Hereditary cancer-predisposing syndrome. Last evaluated: 2024-03-07. Review status: criteria provided, single submitter. Criteria: ACMG Guidelines, 2015. Collection method: clinical testing. Allele origin: germline.
Comment: This missense variant replaces lysine with glutamic acid at codon 1186 of the BRIP1 protein. Computational prediction suggests that this variant may not impact protein structure and function (internally defined REVEL score threshold <= 0.5, PMID: 27666373). To our knowledge, functional studies have not been reported for this variant. This variant has not been reported in individuals affected with hereditary cancer in the literature. This variant has been identified in 3/250710 chromosomes in the general population by the Genome Aggregation Database (gnomAD). The available evidence is insufficient to determine the role of this variant in disease conclusively. Therefore, this variant is classified as a Variant of Uncertain Significance.

Baylor Genetics
Classification: Uncertain significance for Familial cancer of breast. Last evaluated: 2023-08-23. Review status: criteria provided, single submitter. Criteria: ACMG Guidelines, 2015. Collection method: clinical testing. Allele origin: unknown.

GeneDx
Classification: Uncertain significance. Last evaluated: 2020-12-17. Review status: criteria provided, single submitter. Criteria: GeneDx Variant Classification Process June 2021. Collection method: clinical testing. Allele origin: germline. Affected: yes.
Comment: Not observed at a significant frequency in large population cohorts (Lek 2016); In silico analysis supports that this missense variant does not alter protein structure/function; Has not been previously published as pathogenic or benign to our knowledge

NM_032043.3(BRIP1):c.3556A>G (p.Lys1186Glu)

Gene: BRIP1 (BRCA1 interacting DNA helicase 1; minus strand). Cytogenetic location: 17q23.2.
Variant type: single nucleotide variant.
Coding change: c.3556A>G on transcript NM_032043.3 (MANE Select); coding-DNA position 3556, A replaced by G.
Protein change: p.Lys1186Glu; replaces lysine 1186 with glutamic acid.
Molecular consequence: missense variant.
Genome position (GRCh38, 1-based): chr17:61,683,490, T>C on the plus strand (A>G on the coding strand, the complement: BRIP1 is on the minus strand). VCF-style: chr17-61683490-T-C. GRCh37 (hg19) VCF-style: chr17-59760851-T-C.
Other names: short protein forms K1186E.
Identifiers: ClinVar variation 229894 (VCV000229894.25), dbSNP rs766709841, ClinGen allele CA8690350.
Genomic context (GRCh38, chr17:61,683,490, plus strand): 5'-TTTTACTTTCTTCAATATGCAGAATTCCATTCAACTTTGTATCTATGCAATCCTCAGCTT[T>C]CACTTCTCTGGCTGAATCTACTTCTTTTATAGTTCTAATTTCAAAAAGGTCTTTAGCTAA-3'
Protein context (NP_114432.2, residues 1176-1196): IKEVDSAREV[Lys1186Glu]AEDCIDTKLN